The following is an entry in ClinVar:

NM_022785.4(EFCAB6):c.1032-9T>A

Gene: EFCAB6 (EF-hand calcium binding domain 6; minus strand). Cytogenetic location: 22q13.2.
Variant type: single nucleotide variant.
Coding change: c.1032-9T>A on transcript NM_022785.4 (MANE Select); 9 bases into the intron before coding-DNA position 1032, T replaced by A.
Molecular consequence: intron variant.
Genome position (GRCh38, 1-based): chr22:43,687,590, A>T on the plus strand (T>A on the coding strand, the complement: EFCAB6 is on the minus strand). VCF-style: chr22-43687590-A-T. GRCh37 (hg19) VCF-style: chr22-44083470-A-T.
Other names: c.576-9T>A (NM_198856.3).
Identifiers: ClinVar variation 4880075 (VCV004880075.1).

ClinVar aggregate classification (germline): Uncertain significance (1 of 4 stars; one submission).

Conditions:
Primary ciliary dyskinesia. Also called: Ciliary dyskinesia. Identifiers: Orphanet 244, MedGen C0008780, MONDO:0016575, HP:0012265.

gnomAD v4.1: 11 of 1,520,536 alleles (0.00072%); highest among the groups gnomAD compares: African/African-American, 0.013%; no homozygotes.

Submission:

Department of Human Genetics, Hannover Medical School
Classification: Uncertain significance for Primary Ciliary Dyskinesia. Last evaluated: 2026-04-01. Review status: criteria provided, single submitter. Criteria: ACMG Guidelines, 2015. Collection method: research. Allele origin: germline. Affected: no.
Comment: Classification performed by HerediClassify using the following criteria:['PM2_supporting: Variant occures does not occur as homozygous in gnomAD.', 'PP3_splicing_supporting: Variant is predicted to have a splice effect by SpliceAI with evidence strength supporting.', "PP4_moderate: The modified PICADAR socre of 6.0 exceeds threshold of 5 achieving 'strong' evidence strength."]